The following is an entry in ClinVar:

ClinVar aggregate classification (germline): Uncertain significance (1 of 4 stars; one submission).

Conditions:
Hereditary cancer-predisposing syndrome. Also called: Neoplastic Syndromes, Hereditary; Tumor predisposition; Hereditary Cancer Syndrome; Hereditary neoplastic syndrome. Identifiers: Orphanet 140162, MedGen C0027672, MeSH D009386, MONDO:0015356.

gnomAD v4.1: 3 of 1,614,208 alleles (0.00019%); highest among the groups gnomAD compares: African/African-American, 0.0027%; no homozygotes.

Submission:

Ambry Genetics
Classification: Uncertain significance for Hereditary cancer-predisposing syndrome. Last evaluated: 2026-04-22. Review status: criteria provided, single submitter. Criteria: Ambry Variant Classification Scheme 2023. Collection method: clinical testing. Allele origin: germline.
Comment: The p.R32T variant (also known as c.95G>C), located in coding exon 2 of the SDHAF2 gene, results from a G to C substitution at nucleotide position 95. The arginine at codon 32 is replaced by threonine, an amino acid with similar properties. This amino acid position is conserved. In addition, this alteration is predicted to be tolerated by in silico analysis. Based on the available evidence, the clinical significance of this variant remains unclear.

NM_017841.4(SDHAF2):c.95G>C (p.Arg32Thr)

Gene: SDHAF2 (succinate dehydrogenase complex assembly factor 2; plus strand). Cytogenetic location: 11q12.2.
Variant type: single nucleotide variant.
Coding change: c.95G>C on transcript NM_017841.4 (MANE Select); coding-DNA position 95, G replaced by C.
Protein change: p.Arg32Thr; replaces arginine 32 with threonine.
Molecular consequence: missense variant.
Genome position (GRCh38, 1-based): chr11:61,437,683, G>C. VCF-style: chr11-61437683-G-C. GRCh37 (hg19) VCF-style: chr11-61205155-G-C.
Other names: short protein forms R32T.
Identifiers: ClinVar variation 4864242 (VCV004864242.1).